The following is an entry in ClinVar:

NM_004036.5(ADCY3):c.2916C>A (p.Thr972=)

Gene: ADCY3 (adenylate cyclase 3; minus strand). Cytogenetic location: 2p23.3.
Variant type: single nucleotide variant.
Coding change: c.2916C>A on transcript NM_004036.5 (MANE Select); coding-DNA position 2916, C replaced by A.
Protein change: p.Thr972=; no amino-acid change (threonine 972 retained).
Molecular consequence: synonymous variant.
Genome position (GRCh38, 1-based): chr2:24,822,598, G>T on the plus strand (C>A on the coding strand, the complement: ADCY3 is on the minus strand). VCF-style: chr2-24822598-G-T. GRCh37 (hg19) VCF-style: chr2-25045467-G-T.
Other names: c.2919C>A, p.Thr973= (NM_001320613.2); c.2982C>A, p.Thr994= (NM_001377128.1); c.2778C>A, p.Thr926= (NM_001377129.1); c.2364C>A, p.Thr788= (NM_001377130.1); c.2193C>A, p.Thr731= (NM_001377131.1); c.2916C>A, p.Thr972= (NM_001377132.1).
Identifiers: ClinVar variation 3043252 (VCV003043252.2), dbSNP rs770197713, ClinGen allele CA1553570.

ClinVar aggregate classification (germline): Likely benign (0 of 4 stars; one submission).

Conditions:
ADCY3-related disorder. Also called: ADCY3-related condition.

Allele frequency attached by ClinVar (database versions not stated): gnomAD exomes 0.00001; ExAC 0.00002.
gnomAD v4.1: 11 of 1,614,086 alleles (0.00068%); highest among the groups gnomAD compares: South Asian, 0.0011%; no homozygotes.

Submission:

PreventionGenetics, part of Exact Sciences
Classification: Likely benign for ADCY3-related condition. Last evaluated: 2022-11-03. Review status: no assertion criteria provided. Collection method: clinical testing. Allele origin: germline.
Comment: This variant is classified as likely benign based on ACMG/AMP sequence variant interpretation guidelines (Richards et al. 2015 PMID: 25741868, with internal and published modifications).